The following is an entry in ClinVar:

NM_012210.4(TRIM32):c.1872_1875dup (p.Pro626fs)

Genes: ASTN2 (astrotactin 2; minus strand), TRIM32 (tripartite motif containing 32; plus strand). Cytogenetic location: 9q33.1.
Variant type: Duplication.
Coding change: c.1872_1875dup on transcript NM_012210.4 (MANE Select); coding-DNA positions 1872 to 1875, 4 bases duplicated (AACT; older notation c.1872_1875dupAACT).
Protein change: p.Pro626fs; shifts the reading frame from proline 626.
Molecular consequence: frameshift variant. On other transcripts: intron variant (3).
Genome position (GRCh38, 1-based): chr9:116,699,614-116,699,617, AACT duplicated; duplicating any 4 consecutive bases within chr9:116,699,612-116,699,617 gives the same sequence; the c. name uses the placement nearest the transcript's 3' end. VCF-style (leftmost placement, unchanged base first): chr9-116699611-C-CCTAA. GRCh37 (hg19) VCF-style: chr9-119461890-C-CCTAA.
Other names: c.1872_1875dup, p.Pro626fs (NM_001099679.2, NM_001379048.1, NM_001379049.1 and 1 more transcripts); c.2653+26156_2653+26159dup (NM_014010.5); c.2794+26156_2794+26159dup (NM_001365069.1); c.2806+26156_2806+26159dup (NM_001365068.1); short protein forms P626fs.
Identifiers: ClinVar variation 3382614 (VCV003382614.2).

ClinVar aggregate classification (germline): Uncertain significance (1 of 4 stars; one submission).

Conditions:
Bardet-Biedl syndrome 11 (BBS11). Identifiers: Orphanet 110, MedGen C1859569, MONDO:0014439, OMIM 615988.
Sarcotubular myopathy (LGMDR8). Also called: Hutterite type of muscular dystrophy; Limb-girdle muscular dystrophy, type 2H; Autosomal recessive limb-girdle muscular dystrophy type 2H; MUSCULAR DYSTROPHY, LIMB-GIRDLE, AUTOSOMAL RECESSIVE 8. Identifiers: Orphanet 1878, MedGen C0270968, MONDO:0009683, OMIM 254110.

Submission:

Juno Genomics, Hangzhou Juno Genomics, Inc
Classification: Uncertain significance for Bardet-Biedl syndrome 11; Sarcotubular myopathy. Review status: criteria provided, single submitter. Criteria: ACMG Guidelines, 2015. Collection method: clinical testing. Allele origin: germline. Affected: yes.
Comment: Null variant in a gene where loss of function (LOF) is a known mechanism of disease.;Absent from controls (or at extremely low frequency if recessive) in Genome Aggregation Database, Exome Sequencing Project, 1000 Genomes Project, or Exome Aggregation Consortium.;For recessive disorders, detected in trans with a pathogenic variant.;Patient's phenotype or family history is highly specific for a disease with a single genetic etiology.